The following is an entry in ClinVar:

ClinVar aggregate classification (germline): Likely pathogenic (1 of 4 stars; one submission).

Conditions:
Dilated cardiomyopathy 1G (CMD1G). Identifiers: Orphanet 154, MedGen C1858763, MONDO:0011400, OMIM 604145.
Autosomal recessive limb-girdle muscular dystrophy type 2J (LGMDR10). Also called: Limb-girdle muscular dystrophy, type 2J; MUSCULAR DYSTROPHY, LIMB-GIRDLE, AUTOSOMAL RECESSIVE 10. Identifiers: Orphanet 140922, MedGen C1837342, MONDO:0012127, OMIM 608807.

Submission:

Labcorp Genetics (formerly Invitae), Labcorp
Classification: Likely pathogenic for Dilated cardiomyopathy 1G; Autosomal recessive limb-girdle muscular dystrophy type 2J. Last evaluated: 2021-12-29. Review status: criteria provided, single submitter. Criteria: Invitae Variant Classification Sherloc (09022015). Collection method: clinical testing. Allele origin: germline.
Comment: In summary, the currently available evidence indicates that the variant is pathogenic, but additional data are needed to prove that conclusively. Therefore, this variant has been classified as Likely Pathogenic. This variant is located in the A band of TTN (PMID: 25589632). Truncating variants in this region are significantly overrepresented in patients affected with dilated cardiomyopathy (PMID: 25589632). Truncating variants in this region have also been reported in individuals affected with autosomal recessive centronuclear myopathy (PMID: 23975875). This variant has not been reported in the literature in individuals affected with TTN-related conditions. This variant is not present in population databases (gnomAD no frequency). This sequence change creates a premature translational stop signal (p.Arg17518Valfs*7) in the TTN gene. While this is not anticipated to result in nonsense mediated decay, it is expected to create a truncated TTN protein.

Literature cited by the submitters: PubMed 25589632; PubMed 23975875.

NM_001267550.2(TTN):c.52551del (p.Arg17518fs)

Genes: TTN-AS1 (TTN antisense RNA 1; plus strand), TTN (titin; minus strand), LOC126806425 (BRD4-independent group 4 enhancer GRCh37_chr2:179471933-179473132; plus strand). Cytogenetic location: 2q31.2.
Variant type: Deletion.
Coding change: c.52551del on transcript NM_001267550.2 (MANE Select); coding-DNA position 52551, one base deleted (T; older notation c.52551delT).
Protein change: p.Arg17518fs; shifts the reading frame from arginine 17518.
Molecular consequence: frameshift variant.
Genome position (GRCh38, 1-based): chr2:178,608,332, A deleted on the plus strand (T on the coding strand, the reverse complement: TTN is on the minus strand). VCF-style (leftmost placement, unchanged base first): chr2-178608331-GA-G. GRCh37 (hg19) VCF-style: chr2-179473058-GA-G.
Other names: c.47628del, p.Arg15877fs (NM_001256850.1); c.25356del, p.Arg8453fs (NM_003319.4); c.44847del, p.Arg14950fs (NM_133378.4); c.25731del, p.Arg8578fs (NM_133432.3); c.25932del, p.Arg8645fs (NM_133437.4); short protein forms R17518fs, R8645fs, R14950fs, R8578fs, R15877fs, R8453fs.
Identifiers: ClinVar variation 2064939 (VCV002064939.4), dbSNP rs2470330946, ClinGen allele CA2580064669.
Genomic context (GRCh38, chr2:178,608,331, plus strand): 5'-GTCCTTCTAATAAGCCATCTACATTGGCTTTCAAGGCATTCAGAAGGCTTTTGTTGACAC[GA>G]GACCAATGTGTACTGTTAACTTCACGTTTTTCAAGCCAGTAACCCAAAATGGGGCTTCCA-3'